The following is an entry in ClinVar:

ClinVar aggregate classification (germline): Likely pathogenic (1 of 4 stars; one submission).

Conditions:
Isovaleryl-CoA dehydrogenase deficiency (IVA). Also called: Isovaleric acidemia; ISOVALERIC ACID CoA DEHYDROGENASE DEFICIENCY; Classic Isovaleric Acidemia; IVD DEFICIENCY. Identifiers: Orphanet 33, MedGen C0268575, MONDO:0009475, OMIM 243500.

Submission:

Labcorp Genetics (formerly Invitae), Labcorp
Classification: Likely pathogenic for Isovaleryl-CoA dehydrogenase deficiency. Last evaluated: 2019-10-24. Review status: criteria provided, single submitter. Criteria: Invitae Variant Classification Sherloc (09022015). Collection method: clinical testing. Allele origin: germline.
Comment: In summary, the currently available evidence indicates that the variant is pathogenic, but additional data are needed to prove that conclusively. Therefore, this variant has been classified as Likely Pathogenic. Donor and acceptor splice site variants typically lead to a loss of protein function (PMID: 16199547), and loss-of-function variants in IVD are known to be pathogenic (PMID: 16602101). Algorithms developed to predict the effect of sequence changes on RNA splicing suggest that this variant may disrupt the consensus splice site, but this prediction has not been confirmed by published transcriptional studies. This variant has not been reported in the literature in individuals with IVD-related conditions. This variant is not present in population databases (ExAC no frequency). This sequence change affects an acceptor splice site in intron 3 of the IVD gene. It is expected to disrupt RNA splicing and likely results in an absent or disrupted protein product.

Literature cited by the submitters: PubMed 16199547; PubMed 16602101.

NM_002225.5(IVD):c.287-2A>C

Gene: IVD (isovaleryl-CoA dehydrogenase; plus strand). Cytogenetic location: 15q15.1.
Variant type: single nucleotide variant.
Coding change: c.287-2A>C on transcript NM_002225.5 (MANE Select); the canonical splice acceptor site of the intron before coding-DNA position 287, A replaced by C.
Molecular consequence: splice acceptor variant.
Genome position (GRCh38, 1-based): chr15:40,410,626, A>C. VCF-style: chr15-40410626-A-C. GRCh37 (hg19) VCF-style: chr15-40702825-A-C.
Other names: c.374-2A>C (NM_001354600.3, NM_001354599.3); c.287-2A>C (NM_001354598.3, NM_001354601.3); c.239-2A>C (NM_001354597.3); c.197-2A>C (NM_001159508.3).
Identifiers: ClinVar variation 965001 (VCV000965001.8), dbSNP rs781340220, ClinGen allele CA391716108.
Genomic context (GRCh38, chr15:40,410,626, plus strand): 5'-AATGAATGTCCCGATTTAATCTGGGCTGCGTTTTCCACTCCCTTGTACCACACCACTCAC[A>C]GTTCAGTATGGCGGCTCCGGCCTGGGCTACCTGGAGCATGTGCTGGTGATGGAGGAGATA-3'